The following is an entry in ClinVar:

NM_000179.3(MSH6):c.3580_3582del (p.Leu1194del)

Gene: MSH6 (mutS homolog 6; plus strand). Cytogenetic location: 2p16.3.
Variant type: Deletion.
Coding change: c.3580_3582del on transcript NM_000179.3 (MANE Select); coding-DNA positions 3580 to 3582, 3 bases deleted (TTA; older notation c.3580_3582delTTA).
Protein change: p.Leu1194del; deletes leucine 1194.
Molecular consequence: inframe deletion. On other transcripts: non-coding transcript variant (5).
Genome position (GRCh38, 1-based): chr2:47,805,641-47,805,643, TTA deleted; deleting any 3 consecutive bases within chr2:47,805,640-47,805,643 gives the same sequence; the c. name uses the placement nearest the transcript's 3' end. VCF-style (leftmost placement, unchanged base first): chr2-47805639-AATT-A. GRCh37 (hg19) VCF-style: chr2-48032778-AATT-A.
Other names: c.3190_3192del, p.Leu1064del (NM_001281492.2); c.2674_2676del, p.Leu892del (NM_001281493.2, NM_001281494.2, NM_001406811.1 and 6 more transcripts); c.3676_3678del, p.Leu1226del (NM_001406795.1, NM_001406802.1); c.3580_3582del, p.Leu1194del (NM_001406796.1, NM_001406800.1, NM_001406808.1 and 1 more transcripts); c.3283_3285del, p.Leu1095del (NM_001406797.1, NM_001406801.1, NM_001406805.1 and 10 more transcripts); c.3406_3408del, p.Leu1136del (NM_001406798.1); c.3055_3057del, p.Leu1019del (NM_001406799.1, NM_001406806.1, NM_001406807.1); c.3502_3504del, p.Leu1168del (NM_001406804.1); and 7 more; short protein forms L1095del, L1136del, L1168del, L1194del, L672del, L892del, L1019del, L1138del.
Identifiers: ClinVar variation 4657498 (VCV004657498.1).

ClinVar aggregate classification (germline): Uncertain significance (1 of 4 stars; one submission).

Conditions:
Hereditary cancer-predisposing syndrome. Also called: Neoplastic Syndromes, Hereditary; Tumor predisposition; Hereditary Cancer Syndrome; Hereditary neoplastic syndrome. Identifiers: Orphanet 140162, MedGen C0027672, MeSH D009386, MONDO:0015356.

Submission:

Ambry Genetics
Classification: Uncertain significance for Hereditary cancer-predisposing syndrome. Last evaluated: 2025-10-14. Review status: criteria provided, single submitter. Criteria: Ambry Variant Classification Scheme 2023. Collection method: clinical testing. Allele origin: germline.
Comment: The c.3580_3582delTTA variant (also known as p.L1194del) is located in coding exon 7 of the MSH6 gene. This variant results from an in-frame TTA deletion at nucleotide positions 3580 to 3582. This results in the in-frame deletion of a leucine at codon 1194. This amino acid position is well conserved in available vertebrate species. In addition, this variant is predicted to be deleterious by in silico analysis (Choi Y et al. PLoS ONE. 2012; 7(10):e46688). Based on the available evidence, the clinical significance of this variant remains unclear.